The following is an entry in ClinVar:

ClinVar aggregate classification (germline): Pathogenic. Review status: criteria provided, multiple submitters, no conflicts (2 of 4 stars). 3 submissions from 3 submitters: Pathogenic (3). Last evaluated 2024-06-20.

Conditions:
Inborn genetic diseases. Identifiers: MedGen C0950123, MeSH D030342.
Epilepsy, familial focal, with variable foci 3 (FFEVF3). Identifiers: MedGen C4310708, MONDO:0014925, OMIM 617118.

Submissions (3):

Labcorp Genetics (formerly Invitae), Labcorp
Classification: Pathogenic for Epilepsy, familial focal, with variable foci 3. Last evaluated: 2024-06-20. Review status: criteria provided, single submitter. Criteria: Invitae Variant Classification Sherloc (09022015). Collection method: clinical testing. Allele origin: germline.
Comment: This sequence change creates a premature translational stop signal (p.Ala384Leufs*29) in the NPRL3 gene. It is expected to result in an absent or disrupted protein product. Loss-of-function variants in NPRL3 are known to be pathogenic (PMID: 26285051, 26505888). This variant is not present in population databases (gnomAD no frequency). This variant has not been reported in the literature in individuals affected with NPRL3-related conditions. ClinVar contains an entry for this variant (Variation ID: 1184941). For these reasons, this variant has been classified as Pathogenic.

Ambry Genetics
Classification: Pathogenic for Inborn genetic diseases. Last evaluated: 2024-04-26. Review status: criteria provided, single submitter. Criteria: Ambry Variant Classification Scheme 2023. Collection method: clinical testing. Allele origin: germline.
Comment: The c.1149delC (p.A384Lfs*29) alteration, located in exon 11 (coding exon 10) of the NPRL3 gene, consists of a deletion of one nucleotide at position 1149, causing a translational frameshift with a predicted alternate stop codon after 29 amino acids. This alteration is expected to result in loss of function by premature protein truncation or nonsense-mediated mRNA decay. This variant was not reported in population-based cohorts in the Genome Aggregation Database (gnomAD). Based on the available evidence, this alteration is classified as pathogenic.

Institute of Medical Genetics and Applied Genomics, University Hospital Tübingen
Classification: Pathogenic. Last evaluated: 2021-06-17. Review status: criteria provided, single submitter. Criteria: ACMG Guidelines, 2015. Collection method: clinical testing. Allele origin: germline. Inheritance: Autosomal dominant inheritance. Affected: yes.

Literature cited by the submitters: PubMed 26285051 (cited by Labcorp Genetics (formerly Invitae), Labcorp); PubMed 26505888 (cited by Labcorp Genetics (formerly Invitae), Labcorp).

NM_001077350.3(NPRL3):c.1149del (p.Ala384fs)

Genes: HBA-LCR (alpha-globin locus control region; plus strand), NPRL3 (NPR3 like, GATOR1 complex subunit; minus strand). Cytogenetic location: 16p13.3.
Variant type: Deletion.
Coding change: c.1149del on transcript NM_001077350.3 (MANE Select); coding-DNA position 1149, one base deleted (C; older notation c.1149delC).
Protein change: p.Ala384fs; shifts the reading frame from alanine 384.
Molecular consequence: frameshift variant.
Genome position (GRCh38, 1-based): chr16:92,608, G deleted on the plus strand (C on the coding strand, the reverse complement: NPRL3 is on the minus strand); the first of 5 consecutive G bases (chr16:92,608-92,612); deleting any one gives the same sequence. VCF-style (leftmost placement, unchanged base first): chr16-92607-CG-C. GRCh37 (hg19) VCF-style: chr16-142605-CG-C.
Other names: c.612del, p.Ala205fs (NM_001039476.3); c.915del, p.Ala306fs (NM_001243247.2); c.1074del, p.Ala359fs (NM_001243248.2, NM_001243249.2); c.1149delC (NM_001077350.2); short protein forms A205fs, A306fs, A359fs, A384fs.
Identifiers: ClinVar variation 1184941 (VCV001184941.5), dbSNP rs2141907691, ClinGen allele CA2499223888.